The following is an entry in ClinVar:

ClinVar aggregate classification (germline): Likely pathogenic (1 of 4 stars; one submission).

Conditions:
ATRX-related disorder. Also called: ATRX-related condition.

Submission:

PreventionGenetics, part of Exact Sciences
Classification: Likely pathogenic for ATRX-related condition. Last evaluated: 2023-01-24. Review status: criteria provided, single submitter. Criteria: ACMG Guidelines, 2015. Collection method: clinical testing. Allele origin: germline.
Comment: The ATRX c.5315C>A variant is predicted to result in the amino acid substitution p.Ser1772Tyr. To our knowledge, this variant has not been reported in the literature or in a large population database, indicating this variant is rare. Taken together, this variant is interpreted as likely pathogenic.

NM_000489.6(ATRX):c.5315C>A (p.Ser1772Tyr)

Gene: ATRX (ATRX chromatin remodeler; minus strand). Cytogenetic location: Xq21.1.
Variant type: single nucleotide variant.
Coding change: c.5315C>A on transcript NM_000489.6 (MANE Select); coding-DNA position 5315, C replaced by A.
Protein change: p.Ser1772Tyr; replaces serine 1772 with tyrosine.
Molecular consequence: missense variant.
Genome position (GRCh38, 1-based): chrX:77,618,939, G>T on the plus strand (C>A on the coding strand, the complement: ATRX is on the minus strand). VCF-style: chrX-77618939-G-T. GRCh37 (hg19) VCF-style: chrX-76874407-G-T.
Other names: c.5201C>A, p.Ser1734Tyr (NM_138270.5); short protein forms S1734Y, S1772Y.
Identifiers: ClinVar variation 2637185 (VCV002637185.1), dbSNP rs2148260344, ClinGen allele CA413701024.